The following is an entry in ClinVar:

NM_005477.3(HCN4):c.409G>A (p.Ala137Thr)

Gene: HCN4 (hyperpolarization activated cyclic nucleotide gated potassium channel 4; minus strand). Cytogenetic location: 15q24.1.
Variant type: single nucleotide variant.
Coding change: c.409G>A on transcript NM_005477.3 (MANE Select); coding-DNA position 409, G replaced by A.
Protein change: p.Ala137Thr; replaces alanine 137 with threonine.
Molecular consequence: missense variant.
Genome position (GRCh38, 1-based): chr15:73,367,862, C>T on the plus strand (G>A on the coding strand, the complement: HCN4 is on the minus strand). VCF-style: chr15-73367862-C-T. GRCh37 (hg19) VCF-style: chr15-73660203-C-T.
Other names: short protein forms A137T.
Identifiers: ClinVar variation 958302 (VCV000958302.9), dbSNP rs767160441, ClinGen allele CA7649477.
Genomic context (GRCh38, chr15:73,367,862, plus strand): 5'-CGCCGGGGCGCTCGGGCTCGGCCGCCAGGCCTGGGGGCGTCCTGTCCTCGCCGGGGGACG[C>T]GTCGCCCTCGGCGATGAGCCGCCGCTCCTCCGCGGAGTCATGCAGGTGTCCGTGACTGCT-3'
Protein context (NP_005468.1, residues 127-147): EERRLIAEGD[Ala137Thr]SPGEDRTPPG

ClinVar aggregate classification (germline): Uncertain significance (1 of 4 stars; one submission).

Conditions:
Brugada syndrome 8 (BRGDA8). Identifiers: Orphanet 130, MedGen C2751083, MONDO:0013148, OMIM 613123.

Allele frequency attached by ClinVar (database versions not stated): gnomAD exomes 0.00002; ExAC 0.00029.

Submission:

Labcorp Genetics (formerly Invitae), Labcorp
Classification: Uncertain significance for Brugada syndrome 8. Last evaluated: 2023-02-19. Review status: criteria provided, single submitter. Criteria: Invitae Variant Classification Sherloc (09022015). Collection method: clinical testing. Allele origin: germline.
Comment: In summary, the available evidence is currently insufficient to determine the role of this variant in disease. Therefore, it has been classified as a Variant of Uncertain Significance. ClinVar contains an entry for this variant (Variation ID: 958302). Advanced modeling of protein sequence and biophysical properties (such as structural, functional, and spatial information, amino acid conservation, physicochemical variation, residue mobility, and thermodynamic stability) performed at Invitae indicates that this missense variant is not expected to disrupt HCN4 protein function. This variant has not been reported in the literature in individuals affected with HCN4-related conditions. The frequency data for this variant in the population databases is considered unreliable, as metrics indicate poor data quality at this position in the gnomAD database. This sequence change replaces alanine, which is neutral and non-polar, with threonine, which is neutral and polar, at codon 137 of the HCN4 protein (p.Ala137Thr).